The following is an entry in ClinVar:

NM_001165963.4(SCN1A):c.295A>G (p.Ile99Val)

Gene: SCN1A (sodium voltage-gated channel alpha subunit 1; minus strand). Cytogenetic location: 2q24.3.
Variant type: single nucleotide variant.
Coding change: c.295A>G on transcript NM_001165963.4 (MANE Select); coding-DNA position 295, A replaced by G.
Protein change: p.Ile99Val; replaces isoleucine 99 with valine.
Molecular consequence: missense variant. On other transcripts: 5 prime UTR variant (1), non-coding transcript variant (1).
Genome position (GRCh38, 1-based): chr2:166,058,658, T>C on the plus strand (A>G on the coding strand, the complement: SCN1A is on the minus strand). VCF-style: chr2-166058658-T-C. GRCh37 (hg19) VCF-style: chr2-166915168-T-C.
Other names: c.295A>G, p.Ile99Val (NM_001353949.2, NM_001353950.2, NM_001353951.2 and 10 more transcripts); c.-2131A>G (NM_001353961.2); short protein forms I99V.
Identifiers: ClinVar variation 2710260 (VCV002710260.3), dbSNP rs2468272893, ClinGen allele CA349077183.

ClinVar aggregate classification (germline): Likely pathogenic (1 of 4 stars; one submission).

Conditions:
Early-infantile DEE. Also called: Early infantile epileptic encephalopathy with suppression bursts; Early infantile epileptic encephalopathy; Ohtahara syndrome. Identifiers: Orphanet 1934, MedGen C0393706, MONDO:0800491.

Allele frequency attached by ClinVar (database versions not stated): gnomAD exomes below 0.00001.
gnomAD v4.1: 1 of 1,610,570 alleles (0.000062%); highest among the groups gnomAD compares: South Asian, 0.0011%; no homozygotes.

Submission:

Labcorp Genetics (formerly Invitae), Labcorp
Classification: Likely pathogenic for Early-infantile DEE. Last evaluated: 2025-12-04. Review status: criteria provided, single submitter. Criteria: Invitae Variant Classification Sherloc (09022015). Collection method: clinical testing. Allele origin: germline.
Comment: This sequence change replaces isoleucine, which is neutral and non-polar, with valine, which is neutral and non-polar, at codon 99 of the SCN1A protein (p.Ile99Val). This variant is not present in population databases (gnomAD no frequency). This variant has not been reported in the literature in individuals affected with SCN1A-related conditions. ClinVar contains an entry for this variant (Variation ID: 2710260). Invitae Evidence Modeling of protein sequence and biophysical properties (such as structural, functional, and spatial information, amino acid conservation, physicochemical variation, residue mobility, and thermodynamic stability) indicates that this missense variant is expected to disrupt SCN1A protein function with a positive predictive value of 95%. This variant disrupts the p.Ile99 amino acid residue in SCN1A. Other variant(s) that disrupt this residue have been determined to be pathogenic (internal data). This suggests that this residue is clinically significant, and that variants that disrupt this residue are likely to be disease-causing. In summary, the currently available evidence indicates that the variant is pathogenic, but additional data are needed to prove that conclusively. Therefore, this variant has been classified as Likely Pathogenic.